The following is an entry in ClinVar:

ClinVar aggregate classification (germline): Conflicting classifications of pathogenicity. Review status: criteria provided, conflicting classifications (1 of 4 stars). 2 submissions from 2 submitters: Uncertain significance (1); Likely benign (1). Last evaluated 2025-06-17.

Allele frequency attached by ClinVar (database versions not stated): gnomAD 0.00001; gnomAD exomes 0.00002; ExAC 0.00007.
gnomAD v4.1: 28 of 1,613,880 alleles (0.0017%); highest among the groups gnomAD compares: Admixed American, 0.015%; no homozygotes.

Submissions (2):

Labcorp Genetics (formerly Invitae), Labcorp
Classification: Uncertain significance. Last evaluated: 2025-06-17. Review status: criteria provided, single submitter. Criteria: Invitae Variant Classification Sherloc (09022015). Collection method: clinical testing. Allele origin: germline.
Comment: This sequence change falls in intron 20 of the IGF1R gene. It does not directly change the encoded amino acid sequence of the IGF1R protein. It affects a nucleotide within the consensus splice site. This variant is present in population databases (rs745816688, gnomAD 0.02%). This variant has not been reported in the literature in individuals affected with IGF1R-related conditions. ClinVar contains an entry for this variant (Variation ID: 1902856). Variants that disrupt the consensus splice site are a relatively common cause of aberrant splicing (PMID: 17576681, 9536098). Algorithms developed to predict the effect of sequence changes on RNA splicing suggest that this variant is not likely to affect RNA splicing. In summary, the available evidence is currently insufficient to determine the role of this variant in disease. Therefore, it has been classified as a Variant of Uncertain Significance.

Blueprint Genetics
Classification: Likely benign. Last evaluated: 2023-10-27. Review status: criteria provided, single submitter. Criteria: ACMG Guidelines, 2015. Collection method: clinical testing. Allele origin: germline.

Literature cited by the submitters: PubMed 17576681 (cited by Labcorp Genetics (formerly Invitae), Labcorp); PubMed 9536098 (cited by Labcorp Genetics (formerly Invitae), Labcorp).

NM_000875.5(IGF1R):c.3722+4C>T

Gene: IGF1R (insulin like growth factor 1 receptor; plus strand). Cytogenetic location: 15q26.3.
Variant type: single nucleotide variant.
Coding change: c.3722+4C>T on transcript NM_000875.5 (MANE Select); 4 bases into the intron after coding-DNA position 3722, C replaced by T.
Molecular consequence: intron variant.
Genome position (GRCh38, 1-based): chr15:98,948,712, C>T. VCF-style: chr15-98948712-C-T. GRCh37 (hg19) VCF-style: chr15-99491941-C-T.
Other names: c.3719+4C>T (NM_001291858.2).
Identifiers: ClinVar variation 1902856 (VCV001902856.6), dbSNP rs745816688, ClinGen allele CA7752758.